The following is an entry in ClinVar:

ClinVar aggregate classification (germline): Likely pathogenic (1 of 4 stars; one submission).

Conditions:
Rare genetic deafness. Identifiers: Orphanet 96210, MedGen C5680250.

Allele frequency attached by ClinVar (database versions not stated): gnomAD exomes 0.00001.
gnomAD v4.1: 19 of 1,514,672 alleles (0.0013%); highest among the groups gnomAD compares: Non-Finnish European, 0.0016%; no homozygotes.

Submission:

Laboratory for Molecular Medicine, Mass General Brigham Personalized Medicine
Classification: Likely pathogenic for Rare genetic deafness. Last evaluated: 2018-04-10. Review status: criteria provided, single submitter. Criteria: LMM Criteria. Collection method: clinical testing. Allele origin: germline. Inheritance: Autosomal recessive inheritance. Observed: 2 variant alleles.
Comment: It has also been identified in 1/6086 African chromosomes by the Genome Aggregation Database (gnomAD; dbSNP rs1191512072), which is low enough to be consistent with a reces sive carrier frequency. This nonsense variant leads to a premature termination c odon at position 4, which is predicted to lead to a truncated or absent protein. Loss of function of the OTOGL gene is an established disease mechanism in autos omal recessive hearing loss. In summary, although additional studies are require d to fully establish its clinical significance, the p.Trp4X variant is likely pa thogenic. ACMG/AMP Criteria applied: PVS1; PM2_Supporting; PM3.

NM_001378609.3(OTOGL):c.39G>A (p.Trp13Ter)

Gene: OTOGL (otogelin like; plus strand). Cytogenetic location: 12q21.31.
Variant type: single nucleotide variant.
Coding change: c.39G>A on transcript NM_001378609.3 (MANE Select); coding-DNA position 39, G replaced by A.
Protein change: p.Trp13Ter; replaces tryptophan 13 with a stop codon.
Molecular consequence: nonsense.
Genome position (GRCh38, 1-based): chr12:80,209,470, G>A. VCF-style: chr12-80209470-G-A. GRCh37 (hg19) VCF-style: chr12-80603250-G-A.
Other names: c.39G>A, p.Trp13Ter (NM_001368062.3, NM_001378610.3, NM_173591.7); short protein forms W4*, W13*.
Identifiers: ClinVar variation 667385 (VCV000667385.4), dbSNP rs1191512072, ClinGen allele CA385853935.